The following is an entry in ClinVar:

ClinVar aggregate classification (germline): Pathogenic (1 of 4 stars; one submission).

Submission:

Labcorp Genetics (formerly Invitae), Labcorp
Classification: Pathogenic. Last evaluated: 2024-01-02. Review status: criteria provided, single submitter. Criteria: Invitae Variant Classification Sherloc (09022015). Collection method: clinical testing. Allele origin: germline.
Comment: This sequence change creates a premature translational stop signal (p.Pro490Thrfs*26) in the OTOF gene. It is expected to result in an absent or disrupted protein product. Loss-of-function variants in OTOF are known to be pathogenic (PMID: 18381613, 19250381, 22575033). This variant is not present in population databases (gnomAD no frequency). This variant has not been reported in the literature in individuals affected with OTOF-related conditions. For these reasons, this variant has been classified as Pathogenic.

Literature cited by the submitters: PubMed 18381613; PubMed 19250381; PubMed 22575033.

NM_194248.3(OTOF):c.1468_1469del (p.Pro490fs)

Gene: OTOF (otoferlin; minus strand). Cytogenetic location: 2p23.3.
Variant type: Deletion.
Coding change: c.1468_1469del on transcript NM_194248.3 (MANE Select); coding-DNA positions 1468 to 1469, 2 bases deleted (CC; older notation c.1468_1469delCC).
Protein change: p.Pro490fs; shifts the reading frame from proline 490.
Molecular consequence: frameshift variant.
Genome position (GRCh38, 1-based): chr2:26,482,516-26,482,517, GG deleted on the plus strand (CC on the coding strand, the reverse complement: OTOF is on the minus strand); deleting any 2 consecutive bases within chr2:26,482,516-26,482,521 gives the same sequence; the c. name uses the placement nearest the transcript's 3' end. VCF-style (leftmost placement, unchanged base first): chr2-26482515-TGG-T. GRCh37 (hg19) VCF-style: chr2-26705383-TGG-T.
Other names: c.1468_1469del, p.Pro490fs (NM_001287489.2); short protein forms P490fs.
Identifiers: ClinVar variation 2707044 (VCV002707044.3), dbSNP rs779119416, ClinGen allele CA2658238777.